The following is an entry in ClinVar:

NM_198407.2(GHSR):c.224G>T (p.Arg75Leu)

Gene: GHSR (growth hormone secretagogue receptor; minus strand). Cytogenetic location: 3q26.31.
Variant type: single nucleotide variant.
Coding change: c.224G>T on transcript NM_198407.2 (MANE Select); coding-DNA position 224, G replaced by T.
Protein change: p.Arg75Leu; replaces arginine 75 with leucine.
Molecular consequence: missense variant.
Genome position (GRCh38, 1-based): chr3:172,448,190, C>A on the plus strand (G>T on the coding strand, the complement: GHSR is on the minus strand). VCF-style: chr3-172448190-C-A. GRCh37 (hg19) VCF-style: chr3-172165980-C-A.
Other names: c.224G>T, p.Arg75Leu (NM_004122.2); short protein forms R75L.
Identifiers: ClinVar variation 4282483 (VCV004282483.1).

ClinVar aggregate classification (germline): Uncertain significance (1 of 4 stars; one submission).

Submission:

GeneDx
Classification: Uncertain significance. Last evaluated: 2025-03-31. Review status: criteria provided, single submitter. Criteria: GeneDx Variant Classification Process June 2021. Collection method: clinical testing. Allele origin: germline. Affected: yes.
Comment: Not observed at significant frequency in large population cohorts (gnomAD); In silico analysis supports that this missense variant has a deleterious effect on protein structure/function; Has not been previously published as pathogenic or benign to our knowledge